The following is an entry in ClinVar:

ClinVar aggregate classification (germline): Uncertain significance. Review status: criteria provided, multiple submitters, no conflicts (2 of 4 stars). 3 submissions from 3 submitters: Uncertain significance (3). Last evaluated 2026-06-09.

Conditions:
Peutz-Jeghers syndrome (PJS). Also called: POLYPOSIS, HAMARTOMATOUS INTESTINAL; POLYPS-AND-SPOTS SYNDROME; Peutz-Jeghers polyposis; Periorificial lentiginosis syndrome. Identifiers: Orphanet 2869, MedGen C0031269, MeSH D010580, MONDO:0008280, OMIM 175200.
Hereditary cancer-predisposing syndrome. Also called: Tumor predisposition; Neoplastic Syndromes, Hereditary; Hereditary Cancer Syndrome; Hereditary neoplastic syndrome. Identifiers: Orphanet 140162, MedGen C0027672, MeSH D009386, MONDO:0015356.

Submissions (3):

Ambry Genetics
Classification: Uncertain significance for Hereditary cancer-predisposing syndrome. Last evaluated: 2026-06-09. Review status: criteria provided, single submitter. Criteria: Ambry Variant Classification Scheme 2023. Collection method: clinical testing. Allele origin: germline.
Comment: The p.D207E variant (also known as c.621C>G), located in coding exon 5 of the STK11 gene, results from a C to G substitution at nucleotide position 621. The aspartic acid at codon 207 is replaced by glutamic acid, an amino acid with highly similar properties. This amino acid position is highly conserved in available vertebrate species. In addition, this alteration is predicted to be tolerated by in silico analysis. Based on the available evidence, the clinical significance of this variant remains unclear.

Labcorp Genetics (formerly Invitae), Labcorp
Classification: Uncertain significance for Peutz-Jeghers syndrome. Last evaluated: 2024-09-12. Review status: criteria provided, single submitter. Criteria: Invitae Variant Classification Sherloc (09022015). Collection method: clinical testing. Allele origin: germline.
Comment: This sequence change replaces aspartic acid, which is acidic and polar, with glutamic acid, which is acidic and polar, at codon 207 of the STK11 protein (p.Asp207Glu). This variant is not present in population databases (gnomAD no frequency). This variant has not been reported in the literature in individuals affected with STK11-related conditions. ClinVar contains an entry for this variant (Variation ID: 1517457). Invitae Evidence Modeling of protein sequence and biophysical properties (such as structural, functional, and spatial information, amino acid conservation, physicochemical variation, residue mobility, and thermodynamic stability) has been performed for this missense variant. However, the output from this modeling did not meet the statistical confidence thresholds required to predict the impact of this variant on STK11 protein function. In summary, the available evidence is currently insufficient to determine the role of this variant in disease. Therefore, it has been classified as a Variant of Uncertain Significance.

Department of Pathology and Laboratory Medicine, Sinai Health System
Classification: Uncertain significance for Peutz-Jeghers syndrome. Last evaluated: 2022-06-17. Review status: criteria provided, single submitter. Criteria: ACMG Guidelines, 2015. Collection method: clinical testing. Allele origin: germline. Affected: yes.

NM_000455.5(STK11):c.621C>G (p.Asp207Glu)

Gene: STK11 (serine/threonine kinase 11; plus strand). Cytogenetic location: 19p13.3.
Variant type: single nucleotide variant.
Coding change: c.621C>G on transcript NM_000455.5 (MANE Select); coding-DNA position 621, C replaced by G.
Protein change: p.Asp207Glu; replaces aspartic acid 207 with glutamic acid.
Molecular consequence: missense variant.
Genome position (GRCh38, 1-based): chr19:1,220,604, C>G. VCF-style: chr19-1220604-C-G. GRCh37 (hg19) VCF-style: chr19-1220603-C-G.
Other names: c.621C>G (NM_000455.4); short protein forms D207E.
Identifiers: ClinVar variation 1517457 (VCV001517457.10), dbSNP rs569380138, ClinGen allele CA402949479.
Genomic context (GRCh38, chr19:1,220,604, plus strand): 5'-CCGGGCACTCCCTGAGGGCTGCACGGCACCGCCACAGGCACTGCACCCGTTCGCGGCGGA[C>G]GACACCTGCCGGACCAGCCAGGGCTCCCCGGCTTTCCAGCCGCCCGAGATTGCCAACGGC-3'
Protein context (NP_000446.1, residues 197-217): VAEALHPFAA[Asp207Glu]DTCRTSQGSP